The following is an entry in ClinVar:

NM_001999.4(FBN2):c.3598+4A>G

Gene: FBN2 (fibrillin 2; minus strand). Cytogenetic location: 5q23.3.
Variant type: single nucleotide variant.
Coding change: c.3598+4A>G on transcript NM_001999.4 (MANE Select); 4 bases into the intron after coding-DNA position 3598, A replaced by G.
Molecular consequence: intron variant.
Genome position (GRCh38, 1-based): chr5:128,337,993, T>C on the plus strand (A>G on the coding strand, the complement: FBN2 is on the minus strand). VCF-style: chr5-128337993-T-C. GRCh37 (hg19) VCF-style: chr5-127673685-T-C.
Identifiers: ClinVar variation 3899359 (VCV003899359.2).
Genomic context (GRCh38, chr5:128,337,993, plus strand): 5'-GAACTGATCCCTGGTCTTTACCAGTTGTGCTGGGCAGGTTTATGTGCTGAGGAGATAAAC[T>C]CACCCACACAGTCCTCACGGGATGGTGACAGCTCGTGTCCCAGTGGGCAGTCACACTGAA-3'

ClinVar aggregate classification (germline): Likely pathogenic (1 of 4 stars; one submission).

Conditions:
Congenital contractural arachnodactyly (CCA). Also called: BEALS SYNDROME; Arthrogryposis, distal, type 9; Beals-Hecht syndrome. Identifiers: Orphanet 115, MedGen C0220668, MONDO:0007363, OMIM 121050.

Submission:

Juno Genomics, Hangzhou Juno Genomics, Inc
Classification: Likely pathogenic for Congenital contractural arachnodactyly. Review status: criteria provided, single submitter. Criteria: ACMG Guidelines, 2015. Collection method: clinical testing. Allele origin: germline. Affected: yes.
Comment: Absent from controls (or at extremely low frequency if recessive) in Genome Aggregation Database, Exome Sequencing Project, 1000 Genomes Project, or Exome Aggregation Consortium.;Well-established in vitro or in vivo functional studies supportive of a damaging effect on the gene or gene product.;Patient's phenotype or family history is highly specific for a disease with a single genetic etiology.;Assumed de novo, but without confirmation of paternity and maternity.